The following is an entry in ClinVar:

NM_015978.3(TNNI3K):c.1645T>A (p.Ser549Thr)

Genes: TNNI3K (TNNI3 interacting kinase; plus strand), FPGT-TNNI3K (FPGT-TNNI3K readthrough; plus strand). Cytogenetic location: 1p31.1.
Variant type: single nucleotide variant.
Coding change: c.1645T>A on transcript NM_015978.3 (MANE Select); coding-DNA position 1645, T replaced by A.
Protein change: p.Ser549Thr; replaces serine 549 with threonine.
Molecular consequence: missense variant.
Genome position (GRCh38, 1-based): chr1:74,369,563, T>A. VCF-style: chr1-74369563-T-A. GRCh37 (hg19) VCF-style: chr1-74835247-T-A.
Other names: c.1948T>A, p.Ser650Thr (NM_001112808.3, NM_001199327.2); short protein forms S650T, S549T.
Identifiers: ClinVar variation 1493292 (VCV001493292.8), dbSNP rs200209236, ClinGen allele CA909346.

ClinVar aggregate classification (germline): Uncertain significance (1 of 4 stars; one submission).

Allele frequency attached by ClinVar (database versions not stated): ExAC 0.00001; gnomAD exomes 0.00001; ESP Exome Variant Server 0.00008.
gnomAD v4.1: 20 of 1,609,684 alleles (0.0012%); highest among the groups gnomAD compares: Non-Finnish European, 0.0017%; no homozygotes.

Submission:

Labcorp Genetics (formerly Invitae), Labcorp
Classification: Uncertain significance. Last evaluated: 2024-12-20. Review status: criteria provided, single submitter. Criteria: Invitae Variant Classification Sherloc (09022015). Collection method: clinical testing. Allele origin: germline.
Comment: This sequence change replaces serine, which is neutral and polar, with threonine, which is neutral and polar, at codon 549 of the TNNI3K protein (p.Ser549Thr). This variant is present in population databases (rs200209236, gnomAD 0.004%). This variant has not been reported in the literature in individuals affected with TNNI3K-related conditions. ClinVar contains an entry for this variant (Variation ID: 1493292). Invitae Evidence Modeling of protein sequence and biophysical properties (such as structural, functional, and spatial information, amino acid conservation, physicochemical variation, residue mobility, and thermodynamic stability) indicates that this missense variant is not expected to disrupt TNNI3K protein function with a negative predictive value of 80%. In summary, the available evidence is currently insufficient to determine the role of this variant in disease. Therefore, it has been classified as a Variant of Uncertain Significance.